The following is an entry in ClinVar:

NM_014847.4(UBAP2L):c.2797G>A (p.Val933Met)

Gene: UBAP2L (ubiquitin associated protein 2 like; plus strand). Cytogenetic location: 1q21.3.
Variant type: single nucleotide variant.
Coding change: c.2797G>A on transcript NM_014847.4 (MANE Select); coding-DNA position 2797, G replaced by A.
Protein change: p.Val933Met; replaces valine 933 with methionine.
Molecular consequence: missense variant.
Genome position (GRCh38, 1-based): chr1:154,261,592, G>A. VCF-style: chr1-154261592-G-A. GRCh37 (hg19) VCF-style: chr1-154234068-G-A.
Other names: c.2797G>A, p.Val933Met (NM_001127320.3, NM_001375614.1, NM_001375615.1 and 14 more transcripts); c.2776G>A, p.Val926Met (NM_001287815.1); c.2830G>A, p.Val944Met (NM_001287816.1, NM_001330730.1, NM_001375612.1 and 2 more transcripts); short protein forms V926M, V933M, V944M.
Identifiers: ClinVar variation 4891071 (VCV004891071.1).
Genomic context (GRCh38, chr1:154,261,592, plus strand): 5'-AGTGGGACAGATGGTATTCTGCTGCCAAGTCACTGCAAATCTGGCCTTTTTGCTCTTTAG[G>A]TGGCTCCTACCTCTTCCAAGCAGCATGGTGTGAATGTCAGTGTGAATGCATCGGCCACCC-3'
Protein context (NP_055662.3, residues 923-943): TFQYGPAVFP[Val933Met]APTSSKQHGV

ClinVar aggregate classification (germline): Uncertain significance (1 of 4 stars; one submission).

Submission:

Greenwood Genetic Center Diagnostic Laboratories, Greenwood Genetic Center
Classification: Uncertain significance. Last evaluated: 2026-05-14. Review status: criteria provided, single submitter. Criteria: ACMG Guidelines, 2015. Collection method: clinical testing. Allele origin: germline.
Comment: PM2, BP4